The following is an entry in ClinVar:

NM_001145026.2(PTPRQ):c.373A>G (p.Thr125Ala)

Gene: PTPRQ (protein tyrosine phosphatase receptor type Q; plus strand). Cytogenetic location: 12q21.31.
Variant type: single nucleotide variant.
Coding change: c.373A>G on transcript NM_001145026.2 (MANE Select); coding-DNA position 373, A replaced by G.
Protein change: p.Thr125Ala; replaces threonine 125 with alanine.
Molecular consequence: missense variant.
Genome position (GRCh38, 1-based): chr12:80,445,700, A>G. VCF-style: chr12-80445700-A-G. GRCh37 (hg19) VCF-style: chr12-80839480-A-G.
Other names: short protein forms T125A.
Identifiers: ClinVar variation 3253314 (VCV003253314.1), dbSNP rs1206819878.
Genomic context (GRCh38, chr12:80,445,700, plus strand): 5'-ACACAAGTCAGATCAAAGCCAGACAGTCTGGAAGTTCTTCTTACTAATCTTAATCCTGGA[A>G]CAACATATGAAATTAAGGTAATTATTTTGTGTATGACTACTTAGTGTTCAAACATTTCAT-3'
Protein context (NP_001138498.1, residues 115-135): EVLLTNLNPG[Thr125Ala]TYEIKVAAEN

ClinVar aggregate classification (germline): Uncertain significance (1 of 4 stars; one submission).

Allele frequency attached by ClinVar (database versions not stated): TOPMed below 0.00001; gnomAD 0.00001; gnomAD exomes 0.00001.
gnomAD v4.1: 13 of 1,538,656 alleles (0.00084%); highest among the groups gnomAD compares: Non-Finnish European, 0.0011%; no homozygotes.

Submission:

GeneDx
Classification: Uncertain significance. Last evaluated: 2023-08-14. Review status: criteria provided, single submitter. Criteria: GeneDx Variant Classification Process June 2021. Collection method: clinical testing. Allele origin: germline. Affected: yes.
Comment: Not observed at significant frequency in large population cohorts (gnomAD); In silico analysis supports that this missense variant has a deleterious effect on protein structure/function; Has not been previously published as pathogenic or benign to our knowledge